The following is an entry in ClinVar:

NM_001378418.1(TCF20):c.3486dup (p.Cys1163fs)

Gene: TCF20 (transcription factor 20; minus strand). Cytogenetic location: 22q13.2.
Variant type: Duplication.
Coding change: c.3486dup on transcript NM_001378418.1 (MANE Select); coding-DNA position 3486, one base duplicated (C; older notation c.3486dupC).
Protein change: p.Cys1163fs; shifts the reading frame from cysteine 1163.
Molecular consequence: frameshift variant.
Genome position (GRCh38, 1-based): chr22:42,211,820, G duplicated on the plus strand (C on the coding strand, the reverse complement: TCF20 is on the minus strand). VCF-style (leftmost placement, unchanged base first): chr22-42211819-A-AG. GRCh37 (hg19) VCF-style: chr22-42607825-A-AG.
Other names: c.3486dup, p.Cys1163fs (NM_005650.4, NM_181492.3); short protein forms C1163fs.
Identifiers: ClinVar variation 599644 (VCV000599644.3), dbSNP rs1569147315, ClinGen allele CA913190473.

ClinVar aggregate classification (germline): Pathogenic. Review status: criteria provided, single submitter (1 of 4 stars). 2 submissions from 1 submitter: Pathogenic (1). 1 of the submissions does not count toward it. Last evaluated 2018-11-14.

Conditions:
Neurodevelopmental abnormality. Identifiers: MedGen C4022737, HP:0012759.

Submissions (2):

GeneDx
Classification: Pathogenic for Neurodevelopmental abnormality. Last evaluated: 2018-11-14. Review status: criteria provided, single submitter. Criteria: GeneDx Variant Classification (06012015). Collection method: clinical testing. Allele origin: de novo. Affected: yes.

GeneDx
Classification: Pathogenic. Last evaluated: 2018-11-14. Review status: flagged submission. Criteria: GeneDx Variant Classification (06012015). Collection method: clinical testing. Allele origin: germline. Affected: yes. Not counted in ClinVar's aggregate classification.
Comment: The c.3486dupC variant in the TCF20 gene has been observed in internal GeneDx whole exome sequencing data in association with developmental delay, autistic features, attention deficit hyperactivity disorder, neurologic abnormalities, and dysmorphic features. The c.3486dupC variant causes a frameshift starting with codon Cysteine 1163, changes this amino acid to a Leucine residue, and creates a premature Stop codon at position 5 of the new reading frame, denoted p.Cys1163LeufsX5. This variant is predicted to cause loss of normal protein function either through protein truncation or nonsense-mediated mRNA decay. The c.3486dupC variant is not observed in large population cohorts (Lek et al., 2016). Therefore, we interpret c.3486dupC as a pathogenic variant.
ClinVar note: Reason: This record appears to be redundant with a more recent record from the same submitter.
ClinVar note: Notes: SCV001168633 appears to be redundant with SCV000854587.